The following is an entry in ClinVar:

ClinVar aggregate classification (germline): Uncertain significance (1 of 4 stars; one submission).

Conditions:
Severe combined immunodeficiency due to DNA-PKcs deficiency. Also called: Immunodeficiency 26 with or without neurologic abnormalities; IMMUNODEFICIENCY 26 WITH NEUROLOGIC ABNORMALITIES. Identifiers: Orphanet 317425, MedGen C4014833, MONDO:0014423, OMIM 615966.

Allele frequency attached by ClinVar (database versions not stated): gnomAD 0.00001; ExAC 0.00002.
gnomAD v4.1: 4 of 1,601,870 alleles (0.00025%); highest among the groups gnomAD compares: Admixed American, 0.0017%; no homozygotes.

Submission:

Labcorp Genetics (formerly Invitae), Labcorp
Classification: Uncertain significance for Severe combined immunodeficiency due to DNA-PKcs deficiency. Last evaluated: 2025-11-03. Review status: criteria provided, single submitter. Criteria: Invitae Variant Classification Sherloc (09022015). Collection method: clinical testing. Allele origin: germline.
Comment: This sequence change replaces histidine, which is basic and polar, with arginine, which is basic and polar, at codon 3850 of the PRKDC protein (p.His3850Arg). The frequency data for this variant in the population databases is considered unreliable, as metrics indicate poor data quality at this position in the gnomAD database. This variant has not been reported in the literature in individuals affected with PRKDC-related conditions. ClinVar contains an entry for this variant (Variation ID: 1446672). Invitae Evidence Modeling of protein sequence and biophysical properties (such as structural, functional, and spatial information, amino acid conservation, physicochemical variation, residue mobility, and thermodynamic stability) indicates that this missense variant is not expected to disrupt PRKDC protein function with a negative predictive value of 80%. In summary, the available evidence is currently insufficient to determine the role of this variant in disease. Therefore, it has been classified as a Variant of Uncertain Significance.

NM_006904.7(PRKDC):c.11549A>G (p.His3850Arg)

Gene: PRKDC (protein kinase, DNA-activated, catalytic subunit; minus strand). Cytogenetic location: 8q11.21.
Variant type: single nucleotide variant.
Coding change: c.11549A>G on transcript NM_006904.7 (MANE Select); coding-DNA position 11549, A replaced by G.
Protein change: p.His3850Arg; replaces histidine 3850 with arginine.
Molecular consequence: missense variant.
Genome position (GRCh38, 1-based): chr8:47,779,034, T>C on the plus strand (A>G on the coding strand, the complement: PRKDC is on the minus strand). VCF-style: chr8-47779034-T-C. GRCh37 (hg19) VCF-style: chr8-48691595-T-C.
Other names: c.11456A>G, p.His3819Arg (NM_001081640.2); short protein forms H3819R, H3850R.
Identifiers: ClinVar variation 1446672 (VCV001446672.4), dbSNP rs751427948, ClinGen allele CA4739058.